The following is an entry in ClinVar:

ClinVar aggregate classification (germline): Uncertain significance (1 of 4 stars; one submission).

Conditions:
Familial adenomatous polyposis 1 (FAP1). Also called: FAMILIAL ADENOMATOUS POLYPOSIS 1, ATTENUATED; POLYPOSIS, ADENOMATOUS INTESTINAL. Identifiers: MedGen C2713442, MONDO:0021056, OMIM 175100. Disease mechanism: loss of function.

Submission:

Labcorp Genetics (formerly Invitae), Labcorp
Classification: Uncertain significance for Familial adenomatous polyposis 1. Last evaluated: 2022-06-29. Review status: criteria provided, single submitter. Criteria: Invitae Variant Classification Sherloc (09022015). Collection method: clinical testing. Allele origin: germline.
Comment: In summary, the available evidence is currently insufficient to determine the role of this variant in disease. Therefore, it has been classified as a Variant of Uncertain Significance. Algorithms developed to predict the effect of missense changes on protein structure and function are either unavailable or do not agree on the potential impact of this missense change (SIFT: "Deleterious"; PolyPhen-2: "Benign"; Align-GVGD: "Class C0"). This variant has not been reported in the literature in individuals affected with APC-related conditions. This variant is not present in population databases (gnomAD no frequency). This sequence change replaces glutamic acid, which is acidic and polar, with glycine, which is neutral and non-polar, at codon 902 of the APC protein (p.Glu902Gly).

NM_000038.6(APC):c.2705A>G (p.Glu902Gly)

Gene: APC (APC regulator of Wnt signaling pathway; plus strand). Cytogenetic location: 5q22.2.
Variant type: single nucleotide variant.
Coding change: c.2705A>G on transcript NM_000038.6 (MANE Select); coding-DNA position 2705, A replaced by G.
Protein change: p.Glu902Gly; replaces glutamic acid 902 with glycine.
Molecular consequence: missense variant.
Genome position (GRCh38, 1-based): chr5:112,838,299, A>G. VCF-style: chr5-112838299-A-G. GRCh37 (hg19) VCF-style: chr5-112173996-A-G.
Other names: c.2705A>G, p.Glu902Gly (NM_001127510.3, NM_001354895.2, NM_001407450.1); c.2651A>G, p.Glu884Gly (NM_001127511.3); c.2759A>G, p.Glu920Gly (NM_001354896.2, NM_001407447.1, NM_001407448.1 and 1 more transcripts); c.2735A>G, p.Glu912Gly (NM_001354897.2); c.2630A>G, p.Glu877Gly (NM_001354898.2); c.2621A>G, p.Glu874Gly (NM_001354899.2); c.2582A>G, p.Glu861Gly (NM_001354900.2); c.2528A>G, p.Glu843Gly (NM_001354901.2, NM_001407453.1); and 11 more; short protein forms E742G, E773G, E776G, E861G, E892G, E912G, E518G, E619G.
Identifiers: ClinVar variation 2012046 (VCV002012046.4), dbSNP rs2149875669, ClinGen allele CA16027235.